The following is an entry in ClinVar:

ClinVar aggregate classification (germline): Conflicting classifications of pathogenicity. Review status: criteria provided, conflicting classifications (1 of 4 stars). 4 submissions from 4 submitters: Uncertain significance (3); Likely benign (1). Last evaluated 2025-10-15.

Conditions:
NPHP4-related disorder. Also called: NPHP4-related condition; NPHP4-related disorders. Identifiers: MedGen CN239384.
Nephronophthisis 4 (NPHP4). Also called: NEPHRONOPHTHISIS 4, JUVENILE. Identifiers: Orphanet 655, MedGen C1847013, MONDO:0011752, OMIM 606966.
Senior-Loken syndrome 4 (SLSN4). Identifiers: Orphanet 3156, MedGen C1846979, MONDO:0011756, OMIM 606996.
Inborn genetic diseases. Identifiers: MedGen C0950123, MeSH D030342.

Allele frequency attached by ClinVar (database versions not stated): 1000 Genomes Project 30x 0.00031; 1000 Genomes Project 0.00040; TOPMed below 0.00001; gnomAD 0.00001 and 0.00003.

Submissions (4):

PreventionGenetics, part of Exact Sciences
Classification: Uncertain significance for NPHP4-related condition. Last evaluated: 2025-10-15. Review status: criteria provided, single submitter. Criteria: ACMG Guidelines, 2015. Collection method: clinical testing. Allele origin: germline.
Comment: The NPHP4 c.3227T>C variant is predicted to result in the amino acid substitution p.Val1076Ala. To our knowledge, this variant has not been reported in the literature or in a large population database (gnomAD), indicating this variant is rare. At this time, the clinical significance of this variant is uncertain due to the absence of conclusive functional and genetic evidence.

Ambry Genetics
Classification: Likely benign for Inborn genetic diseases. Last evaluated: 2025-06-30. Review status: criteria provided, single submitter. Criteria: Ambry Variant Classification Scheme 2023. Collection method: clinical testing. Allele origin: germline.

Fulgent Genetics
Classification: Uncertain significance for Nephronophthisis 4; Senior-Loken syndrome 4. Last evaluated: 2022-03-08. Review status: criteria provided, single submitter. Criteria: ACMG Guidelines, 2015. Collection method: clinical testing. Allele origin: unknown.

Eurofins Ntd Llc (ga)
Classification: Uncertain significance. Last evaluated: 2018-06-21. Review status: criteria provided, single submitter. Criteria: EGL ClinVar v180209 classification definitions. Collection method: clinical testing. Allele origin: germline. Observed: 1 variant allele, 1 heterozygote.

NM_015102.5(NPHP4):c.3227T>C (p.Val1076Ala)

Gene: NPHP4 (nephrocystin 4; minus strand). Cytogenetic location: 1p36.31.
Variant type: single nucleotide variant.
Coding change: c.3227T>C on transcript NM_015102.5 (MANE Select); coding-DNA position 3227, T replaced by C.
Protein change: p.Val1076Ala; replaces valine 1076 with alanine.
Molecular consequence: missense variant. On other transcripts: non-coding transcript variant (1).
Genome position (GRCh38, 1-based): chr1:5,874,475, A>G on the plus strand (T>C on the coding strand, the complement: NPHP4 is on the minus strand). VCF-style: chr1-5874475-A-G. GRCh37 (hg19) VCF-style: chr1-5934535-A-G.
Other names: c.1688T>C, p.Val563Ala (NM_001291593.2); c.1691T>C, p.Val564Ala (NM_001291594.2); c.3227T>C (NM_015102.4, NM_015102.3); short protein forms V1076A, V563A, V564A.
Identifiers: ClinVar variation 597624 (VCV000597624.8), dbSNP rs201591531, ClinGen allele CA17135786.